The following is an entry in ClinVar:

NM_199355.4(ADAMTS18):c.68C>T (p.Ala23Val)

Gene: ADAMTS18 (ADAM metallopeptidase with thrombospondin type 1 motif 18; minus strand). Cytogenetic location: 16q23.1.
Variant type: single nucleotide variant.
Coding change: c.68C>T on transcript NM_199355.4 (MANE Select); coding-DNA position 68, C replaced by T.
Protein change: p.Ala23Val; replaces alanine 23 with valine.
Molecular consequence: missense variant. On other transcripts: 5 prime UTR variant (1).
Genome position (GRCh38, 1-based): chr16:77,434,628, G>A on the plus strand (C>T on the coding strand, the complement: ADAMTS18 is on the minus strand). VCF-style: chr16-77434628-G-A. GRCh37 (hg19) VCF-style: chr16-77468525-G-A.
Other names: c.-453C>T (NM_001326358.2); short protein forms A23V.
Identifiers: ClinVar variation 1062103 (VCV001062103.9), dbSNP rs1401694800, ClinGen allele CA396851894.

ClinVar aggregate classification (germline): Uncertain significance (1 of 4 stars; one submission).

gnomAD v4.1: 4 of 1,491,708 alleles (0.00027%); highest among the groups gnomAD compares: South Asian, 0.0025%; no homozygotes.

Submission:

Labcorp Genetics (formerly Invitae), Labcorp
Classification: Uncertain significance. Last evaluated: 2022-02-05. Review status: criteria provided, single submitter. Criteria: Invitae Variant Classification Sherloc (09022015). Collection method: clinical testing. Allele origin: germline.
Comment: In summary, the available evidence is currently insufficient to determine the role of this variant in disease. Therefore, it has been classified as a Variant of Uncertain Significance. Algorithms developed to predict the effect of missense changes on protein structure and function output the following: SIFT: "Not Available"; PolyPhen-2: "Benign"; Align-GVGD: "Not Available". The valine amino acid residue is found in multiple mammalian species, which suggests that this missense change does not adversely affect protein function. ClinVar contains an entry for this variant (Variation ID: 1062103). This variant has not been reported in the literature in individuals affected with ADAMTS18-related conditions. This variant is not present in population databases (gnomAD no frequency). This sequence change replaces alanine, which is neutral and non-polar, with valine, which is neutral and non-polar, at codon 23 of the ADAMTS18 protein (p.Ala23Val).